The following is an entry in ClinVar:

NM_138395.4(MARS2):c.801G>C (p.Pro267=)

Gene: MARS2 (methionyl-tRNA synthetase 2, mitochondrial; plus strand). Cytogenetic location: 2q33.1.
Variant type: single nucleotide variant.
Coding change: c.801G>C on transcript NM_138395.4 (MANE Select); coding-DNA position 801, G replaced by C.
Protein change: p.Pro267=; no amino-acid change (proline 267 retained).
Molecular consequence: synonymous variant.
Genome position (GRCh38, 1-based): chr2:197,706,206, G>C. VCF-style: chr2-197706206-G-C. GRCh37 (hg19) VCF-style: chr2-198570930-G-C.
Other names: p.Pro267=.
Identifiers: ClinVar variation 392497 (VCV000392497.38), dbSNP rs144114997, ClinGen allele CA2044641.

ClinVar aggregate classification (germline): Benign/Likely benign. Review status: criteria provided, multiple submitters, no conflicts (2 of 4 stars). 5 submissions from 5 submitters: Benign (1); Likely benign (4). Last evaluated 2026-03-01.

Allele frequency attached by ClinVar (database versions not stated): ESP Exome Variant Server 0.00015; TOPMed 0.00016; gnomAD 0.00027 and 0.00031; gnomAD exomes 0.00033; ExAC 0.00039.

Submissions (5):

CeGaT Center for Human Genetics Tuebingen
Classification: Likely benign. Last evaluated: 2026-03-01. Review status: criteria provided, single submitter. Criteria: CeGaT Center For Human Genetics Tuebingen Variant Classification Criteria Version 2. Collection method: clinical testing. Allele origin: germline. Affected: yes. Observed: 3 variant alleles.
Comment: MARS2: BP4, BP7

Labcorp Genetics (formerly Invitae), Labcorp
Classification: Likely benign. Last evaluated: 2025-10-13. Review status: criteria provided, single submitter. Criteria: Invitae Variant Classification Sherloc (09022015). Collection method: clinical testing. Allele origin: germline.

Mayo Clinic Laboratories, Mayo Clinic
Classification: Likely benign. Last evaluated: 2025-07-29. Review status: criteria provided, single submitter. Criteria: ACMG Guidelines, 2015. Collection method: clinical testing. Allele origin: germline. Observed: 1 variant allele.
Comment: BS2, BP4, BP7

Blueprint Genetics
Classification: Likely benign. Last evaluated: 2024-06-18. Review status: criteria provided, single submitter. Criteria: ACMG Guidelines, 2015. Collection method: clinical testing. Allele origin: germline.

GeneDx
Classification: Benign. Last evaluated: 2021-06-23. Review status: criteria provided, single submitter. Criteria: GeneDx Variant Classification Process June 2021. Collection method: clinical testing. Allele origin: germline. Affected: yes.